The following is an entry in ClinVar:

ClinVar aggregate classification (germline): Benign. Review status: criteria provided, multiple submitters, no conflicts (2 of 4 stars). 2 submissions from 2 submitters: Benign (2). Last evaluated 2018-06-14.

Allele frequency attached by ClinVar (database versions not stated): 1000 Genomes Project 30x 0.86696; TOPMed 0.86893; 1000 Genomes Project 0.87081; gnomAD 0.88278 and 0.88721; gnomAD exomes 0.94116.
gnomAD v4.1: 708,441 of 762,116 alleles (93%); highest among the groups gnomAD compares: South Asian, 97%; 330,934 homozygotes.

Submissions (2):

GeneDx
Classification: Benign. Last evaluated: 2018-06-14. Review status: criteria provided, single submitter. Criteria: GeneDx Variant Classification (06012015). Collection method: clinical testing. Allele origin: germline. Affected: yes.
Comment: This variant is considered likely benign or benign based on one or more of the following criteria: it is a conservative change, it occurs at a poorly conserved position in the protein, it is predicted to be benign by multiple in silico algorithms, and/or has population frequency not consistent with disease.

Breakthrough Genomics
Classification: Benign. Review status: criteria provided, single submitter. Criteria: ACMG Guidelines, 2015. Collection method: not provided. Allele origin: germline. Inheritance: Autosomal recessive inheritance. Affected: yes.

NM_001077365.2(POMT1):c.986+184G>A

Gene: POMT1 (protein O-mannosyltransferase 1; plus strand). Cytogenetic location: 9q34.13.
Variant type: single nucleotide variant.
Coding change: c.986+184G>A on transcript NM_001077365.2 (MANE Select); 184 bases into the intron after coding-DNA position 986, G replaced by A.
Molecular consequence: intron variant.
Genome position (GRCh38, 1-based): chr9:131,511,651, G>A. VCF-style: chr9-131511651-G-A. GRCh37 (hg19) VCF-style: chr9-134387038-G-A.
Other names: c.890+184G>A (NM_001353198.2, NM_001353197.2); c.1052+184G>A (NM_001353193.2, NM_007171.4); c.986+184G>A (NM_001136113.2, NM_001374690.1); c.824+184G>A (NM_001353194.2, NM_001077366.2, NM_001374693.1); c.635+184G>A (NM_001374691.1, NM_001353195.2, NM_001374692.1 and 1 more transcripts); c.896+184G>A (NM_001353196.2); c.596+184G>A (NM_001374695.1); c.974+179G>A (NM_001374689.1); and 2 more.
Identifiers: ClinVar variation 668002 (VCV000668002.2), dbSNP rs10793881, ClinGen allele CA13040136.